The following is an entry in ClinVar:

ClinVar aggregate classification (germline): Uncertain significance (1 of 4 stars; one submission).

Conditions:
Familial cancer of breast. Also called: hereditary breast carcinoma; Hereditary breast cancer; BREAST CANCER, FAMILIAL. Identifiers: Orphanet 227535, MedGen C0346153, MONDO:0016419, OMIM 114480. Disease mechanism: loss of function.

Submission:

Labcorp Genetics (formerly Invitae), Labcorp
Classification: Uncertain significance for Familial cancer of breast. Last evaluated: 2022-08-09. Review status: criteria provided, single submitter. Criteria: Invitae Variant Classification Sherloc (09022015). Collection method: clinical testing. Allele origin: germline.
Comment: This sequence change replaces lysine, which is basic and polar, with glutamic acid, which is acidic and polar, at codon 681 of the PALB2 protein (p.Lys681Glu). This variant is not present in population databases (gnomAD no frequency). This variant has not been reported in the literature in individuals affected with PALB2-related conditions. ClinVar contains an entry for this variant (Variation ID: 1408933). Algorithms developed to predict the effect of missense changes on protein structure and function output the following: SIFT: "Tolerated"; PolyPhen-2: "Benign"; Align-GVGD: "Class C0". The glutamic acid amino acid residue is found in multiple mammalian species, which suggests that this missense change does not adversely affect protein function. In summary, the available evidence is currently insufficient to determine the role of this variant in disease. Therefore, it has been classified as a Variant of Uncertain Significance.

NM_024675.4(PALB2):c.2041A>G (p.Lys681Glu)

Gene: PALB2 (partner and localizer of BRCA2; minus strand). Cytogenetic location: 16p12.2.
Variant type: single nucleotide variant.
Coding change: c.2041A>G on transcript NM_024675.4 (MANE Select); coding-DNA position 2041, A replaced by G.
Protein change: p.Lys681Glu; replaces lysine 681 with glutamic acid.
Molecular consequence: missense variant.
Genome position (GRCh38, 1-based): chr16:23,630,113, T>C on the plus strand (A>G on the coding strand, the complement: PALB2 is on the minus strand). VCF-style: chr16-23630113-T-C. GRCh37 (hg19) VCF-style: chr16-23641434-T-C.
Other names: short protein forms K681E.
Identifiers: ClinVar variation 1408933 (VCV001408933.7), dbSNP rs2142382651, ClinGen allele CA395126897.
Genomic context (GRCh38, chr16:23,630,113, plus strand): 5'-ATGAAGAAAGGCCCGTCTTTGTATGCTGGCTTTGCGAGTTTGGCCTTTTGGGATGTGATT[T>C]TCCTGGTAGAACAATAAGGTCCTCTTCTAAGTCCTCCATTTCTGTATCCATGCGTTTAGG-3'
Protein context (NP_078951.2, residues 671-691): LEEDLIVLPG[Lys681Glu]SHPKRPNSQS